The following is an entry in ClinVar:

NM_001127222.2(CACNA1A):c.6937CAG[18] (p.Gln2325_Ala2326insGlnGlnGlnGlnGln)

Genes: CACNA1A (calcium voltage-gated channel subunit alpha1 A; minus strand), LOC108663985 (calcium voltage-gated channel subunit alpha1 A repeat instability region; plus strand). Cytogenetic location: 19p13.13.
Variant type: Microsatellite.
Coding change: c.6937CAG[18] on transcript NM_001127222.2 (MANE Select); 18 copies in a row of the 3-base unit CAG starting at c.6937; the reference has 13 copies in a row; five copies, 15 bases duplicated.
Protein change: p.Gln2325_Ala2326insGlnGlnGlnGlnGln.
Molecular consequence: inframe insertion. On other transcripts: 3 prime UTR variant (3).
Genome position (GRCh38, 1-based): chr19:13,207,859-13,207,873, CTGCTGCTGCTGCTG duplicated on the plus strand (CAGCAGCAGCAGCAG on the coding strand, the reverse complement: CACNA1A is on the minus strand); duplicating any 15 consecutive bases within chr19:13,207,859-13,207,898 gives the same sequence; the position shown is the placement nearest the transcript's 3' end. VCF-style (leftmost placement, unchanged base first): chr19-13207858-C-CCTGCTGCTGCTGCTG. GRCh37 (hg19) VCF-style: chr19-13318672-C-CCTGCTGCTGCTGCTG.
Other names: c.*149CAG[18] (NM_000068.4, NM_001127221.2, NM_001174080.2); c.6955CAG[18], p.Gln2331_Ala2332insGlnGlnGlnGlnGln (NM_023035.3); c.6961_6975dup15 (NM_001127222.1).
Identifiers: ClinVar variation 3025686 (VCV003025686.22), dbSNP rs16054, ClinGen allele CA783409596.

ClinVar aggregate classification (germline): Likely benign. Review status: criteria provided, single submitter (1 of 4 stars). 2 submissions from 2 submitters: Likely benign (1). 1 of the submissions does not count toward it. Last evaluated 2024-01-01.

Conditions:
CACNA1A-related disorder. Also called: CACNA1A-related condition.

Submissions (2):

CeGaT Center for Human Genetics Tuebingen
Classification: Likely benign. Last evaluated: 2024-01-01. Review status: criteria provided, single submitter. Criteria: CeGaT Center For Human Genetics Tuebingen Variant Classification Criteria Version 2. Collection method: clinical testing. Allele origin: germline. Affected: yes. Observed: 1 variant allele.
Comment: CACNA1A: BS1

PreventionGenetics, part of Exact Sciences
Classification: Likely benign for CACNA1A-related condition. Last evaluated: 2021-08-30. Review status: no assertion criteria provided. Collection method: clinical testing. Allele origin: germline. Not counted in ClinVar's aggregate classification.
Comment: This variant is classified as likely benign based on ACMG/AMP sequence variant interpretation guidelines (Richards et al. 2015 PMID: 25741868, with internal and published modifications).